The following is an entry in ClinVar:

ClinVar aggregate classification (germline): Uncertain significance (1 of 4 stars; one submission).

Allele frequency attached by ClinVar (database versions not stated): TOPMed below 0.00001; gnomAD exomes 0.00001.
gnomAD v4.1: 19 of 1,613,366 alleles (0.0012%); highest among the groups gnomAD compares: Non-Finnish European, 0.0016%; no homozygotes.

Submission:

Labcorp Genetics (formerly Invitae), Labcorp
Classification: Uncertain significance. Last evaluated: 2022-04-30. Review status: criteria provided, single submitter. Criteria: Invitae Variant Classification Sherloc (09022015). Collection method: clinical testing. Allele origin: germline.
Comment: In summary, the available evidence is currently insufficient to determine the role of this variant in disease. Therefore, it has been classified as a Variant of Uncertain Significance. Algorithms developed to predict the effect of missense changes on protein structure and function (SIFT, PolyPhen-2, Align-GVGD) all suggest that this variant is likely to be disruptive. This variant has not been reported in the literature in individuals affected with SIX6-related conditions. This variant is not present in population databases (gnomAD no frequency). This sequence change replaces cysteine, which is neutral and slightly polar, with arginine, which is basic and polar, at codon 244 of the SIX6 protein (p.Cys244Arg).

NM_007374.3(SIX6):c.730T>C (p.Cys244Arg)

Genes: C14orf39 (chromosome 14 open reading frame 39; minus strand), SIX6 (SIX homeobox 6; plus strand). Cytogenetic location: 14q23.1.
Variant type: single nucleotide variant.
Coding change: c.730T>C on transcript NM_007374.3 (MANE Select); coding-DNA position 730, T replaced by C.
Protein change: p.Cys244Arg; replaces cysteine 244 with arginine.
Molecular consequence: missense variant.
Genome position (GRCh38, 1-based): chr14:60,511,241, T>C. VCF-style: chr14-60511241-T-C. GRCh37 (hg19) VCF-style: chr14-60977959-T-C.
Other names: short protein forms C244R.
Identifiers: ClinVar variation 2140163 (VCV002140163.3), dbSNP rs1184169244, ClinGen allele CA390087945.